The following is an entry in ClinVar:

ClinVar aggregate classification (germline): Conflicting classifications of pathogenicity. Review status: criteria provided, conflicting classifications (1 of 4 stars). 5 submissions from 5 submitters: Likely pathogenic (3); Uncertain significance (1). 1 of the submissions does not count toward it. Last evaluated 2024-03-06.

Conditions:
SLC12A3-related disorder. Also called: SLC12A3-related condition.
Familial hypokalemia-hypomagnesemia (GTLMNS). Also called: HYPOMAGNESEMIA-HYPOKALEMIA, PRIMARY RENOTUBULAR, WITH HYPOCALCIURIA; POTASSIUM AND MAGNESIUM DEPLETION; gitelman syndrome. Identifiers: Orphanet 358, MedGen C0268450, MONDO:0009904, OMIM 263800.

Allele frequency attached by ClinVar (database versions not stated): gnomAD exomes below 0.00001; gnomAD 0.00001; TOPMed 0.00001.
gnomAD v4.1: 9 of 1,613,810 alleles (0.00056%); highest among the groups gnomAD compares: Non-Finnish European, 0.00068%; no homozygotes.

Submissions (5):

Fulgent Genetics
Classification: Likely pathogenic for Familial hypokalemia-hypomagnesemia. Last evaluated: 2024-03-06. Review status: criteria provided, single submitter. Criteria: ACMG Guidelines, 2015. Collection method: clinical testing. Allele origin: germline.

Blueprint Genetics
Classification: Likely pathogenic for SLC12A3-related disorders. Last evaluated: 2023-08-02. Review status: criteria provided, single submitter. Criteria: ACMG Guidelines, 2015. Collection method: clinical testing. Allele origin: germline. Affected: yes. Observed: 2 variant alleles.

Labcorp Genetics (formerly Invitae), Labcorp
Classification: Likely pathogenic. Last evaluated: 2023-02-28. Review status: criteria provided, single submitter. Criteria: Invitae Variant Classification Sherloc (09022015). Collection method: clinical testing. Allele origin: germline.
Comment: In summary, the currently available evidence indicates that the variant is pathogenic, but additional data are needed to prove that conclusively. Therefore, this variant has been classified as Likely Pathogenic. This variant disrupts the p.Arg158 amino acid residue in SLC12A3. Other variant(s) that disrupt this residue have been determined to be pathogenic (PMID: 12112667, 21415153, 25852896, 30413979). This suggests that this residue is clinically significant, and that variants that disrupt this residue are likely to be disease-causing. Advanced modeling of protein sequence and biophysical properties (such as structural, functional, and spatial information, amino acid conservation, physicochemical variation, residue mobility, and thermodynamic stability) performed at Invitae indicates that this missense variant is expected to disrupt SLC12A3 protein function. ClinVar contains an entry for this variant (Variation ID: 805471). This missense change has been observed in individual(s) with Gitelman syndrome (PMID: 31285285). This variant is present in population databases (no rsID available, gnomAD 0.002%). This sequence change replaces arginine, which is basic and polar, with tryptophan, which is neutral and slightly polar, at codon 158 of the SLC12A3 protein (p.Arg158Trp).

Athena Diagnostics
Classification: Uncertain significance. Last evaluated: 2019-06-17. Review status: criteria provided, single submitter. Criteria: Athena Diagnostics Criteria. Collection method: clinical testing. Allele origin: germline.

Natera, Inc.
Classification: Uncertain significance for Gitelman syndrome. Last evaluated: 2021-03-13. Review status: no assertion criteria provided. Collection method: clinical testing. Allele origin: germline. Not counted in ClinVar's aggregate classification.

Literature cited by the submitters: PubMed 12112667 (cited by Labcorp Genetics (formerly Invitae), Labcorp); PubMed 21415153 (cited by Labcorp Genetics (formerly Invitae), Labcorp); PubMed 25852896 (cited by Labcorp Genetics (formerly Invitae), Labcorp); PubMed 30413979 (cited by Labcorp Genetics (formerly Invitae), Labcorp); PubMed 31285285 (cited by Labcorp Genetics (formerly Invitae), Labcorp).

NM_001126108.2(SLC12A3):c.472C>T (p.Arg158Trp)

Gene: SLC12A3 (solute carrier family 12 member 3; plus strand). Cytogenetic location: 16q13.
Variant type: single nucleotide variant.
Coding change: c.472C>T on transcript NM_001126108.2 (MANE Select); coding-DNA position 472, C replaced by T.
Protein change: p.Arg158Trp; replaces arginine 158 with tryptophan.
Molecular consequence: missense variant.
Genome position (GRCh38, 1-based): chr16:56,868,339, C>T. VCF-style: chr16-56868339-C-T. GRCh37 (hg19) VCF-style: chr16-56902251-C-T.
Other names: c.472C>T, p.Arg158Trp (NM_000339.3); c.469C>T, p.Arg157Trp (NM_001126107.2); short protein forms R158W, R157W.
Identifiers: ClinVar variation 805471 (VCV000805471.10), dbSNP rs1041531529, ClinGen allele CA395979548.